The following is an entry in ClinVar:

ClinVar aggregate classification (germline): Uncertain significance (1 of 4 stars; one submission).

Conditions:
Gorlin syndrome. Also called: Nevoid Basal Cell Carcinoma Syndrome; Basal cell nevus syndrome. Identifiers: Orphanet 377, MedGen C0004779, MONDO:0007187.

gnomAD v4.1: 9 of 1,613,934 alleles (0.00056%); highest among the groups gnomAD compares: South Asian, 0.0099%; no homozygotes.

Submission:

Labcorp Genetics (formerly Invitae), Labcorp
Classification: Uncertain significance for Gorlin syndrome. Last evaluated: 2024-03-06. Review status: criteria provided, single submitter. Criteria: Invitae Variant Classification Sherloc (09022015). Collection method: clinical testing. Allele origin: germline.
Comment: This sequence change replaces arginine, which is basic and polar, with proline, which is neutral and non-polar, at codon 898 of the PTCH2 protein (p.Arg898Pro). This variant is not present in population databases (gnomAD no frequency). This variant has not been reported in the literature in individuals affected with PTCH2-related conditions. An algorithm developed to predict the effect of missense changes on protein structure and function (PolyPhen-2) suggests that this variant is likely to be disruptive. In summary, the available evidence is currently insufficient to determine the role of this variant in disease. Therefore, it has been classified as a Variant of Uncertain Significance.

NM_003738.5(PTCH2):c.2693G>C (p.Arg898Pro)

Gene: PTCH2 (patched 2; minus strand). Cytogenetic location: 1p34.1.
Variant type: single nucleotide variant.
Coding change: c.2693G>C on transcript NM_003738.5 (MANE Select); coding-DNA position 2693, G replaced by C.
Protein change: p.Arg898Pro; replaces arginine 898 with proline.
Molecular consequence: missense variant.
Genome position (GRCh38, 1-based): chr1:44,826,904, C>G on the plus strand (G>C on the coding strand, the complement: PTCH2 is on the minus strand). VCF-style: chr1-44826904-C-G. GRCh37 (hg19) VCF-style: chr1-45292576-C-G.
Other names: c.2693G>C, p.Arg898Pro (NM_001166292.2); short protein forms R898P.
Identifiers: ClinVar variation 3630244 (VCV003630244.2).